The following is an entry in ClinVar:

ClinVar aggregate classification (germline): Pathogenic (1 of 4 stars; one submission).

Submission:

Labcorp Genetics (formerly Invitae), Labcorp
Classification: Pathogenic. Last evaluated: 2025-02-07. Review status: criteria provided, single submitter. Criteria: Invitae Variant Classification Sherloc (09022015). Collection method: clinical testing. Allele origin: germline.
Comment: This sequence change creates a premature translational stop signal (p.Trp90*) in the MBD4 gene. It is expected to result in an absent or disrupted protein product. Loss-of-function variants in MBD4 are known to be pathogenic (PMID: 30049810, 35460607). This variant is not present in population databases (gnomAD no frequency). This variant has not been reported in the literature in individuals affected with MBD4-related conditions. Algorithms developed to predict the effect of sequence changes on RNA splicing suggest that this variant may disrupt the consensus splice site. For these reasons, this variant has been classified as Pathogenic.

Literature cited by the submitters: PubMed 30049810; PubMed 35460607.

NM_001276270.2(MBD4):c.269G>A (p.Trp90Ter)

Gene: MBD4 (methyl-CpG binding domain 4, DNA glycosylase; minus strand). Cytogenetic location: 3q21.3.
Variant type: single nucleotide variant.
Coding change: c.269G>A on transcript NM_001276270.2 (MANE Select); coding-DNA position 269, G replaced by A.
Protein change: p.Trp90Ter; replaces tryptophan 90 with a stop codon.
Molecular consequence: nonsense. On other transcripts: intron variant (1).
Genome position (GRCh38, 1-based): chr3:129,437,786, C>T on the plus strand (G>A on the coding strand, the complement: MBD4 is on the minus strand). VCF-style: chr3-129437786-C-T. GRCh37 (hg19) VCF-style: chr3-129156629-C-T.
Other names: c.269G>A, p.Trp90Ter (NM_003925.3, NM_001276271.2, NM_001276272.2); c.247+22G>A (NM_001276273.2); short protein forms W90*.
Identifiers: ClinVar variation 4765960 (VCV004765960.1).